The following is an entry in ClinVar:

ClinVar aggregate classification (germline): Uncertain significance (1 of 4 stars; one submission).

Conditions:
Primary immunodeficiency with post-measles-mumps-rubella vaccine viral infection. Also called: Immunodeficiency 44. Identifiers: Orphanet 431166, MedGen C4225260, MONDO:0014715, OMIM 616636.

gnomAD v4.1: 15 of 1,614,110 alleles (0.00093%); highest among the groups gnomAD compares: Middle Eastern, 0.016%; no homozygotes.

Submission:

Labcorp Genetics (formerly Invitae), Labcorp
Classification: Uncertain significance for Primary immunodeficiency with post-measles-mumps-rubella vaccine viral infection. Last evaluated: 2024-06-20. Review status: criteria provided, single submitter. Criteria: Invitae Variant Classification Sherloc (09022015). Collection method: clinical testing. Allele origin: germline.
Comment: This sequence change replaces arginine, which is basic and polar, with histidine, which is basic and polar, at codon 576 of the STAT2 protein (p.Arg576His). This variant is present in population databases (rs200944055, gnomAD 0.03%). This variant has not been reported in the literature in individuals affected with STAT2-related conditions. Algorithms developed to predict the effect of missense changes on protein structure and function output the following: SIFT: "Not Available"; PolyPhen-2: "Benign"; Align-GVGD: "Not Available". The histidine amino acid residue is found in multiple mammalian species, which suggests that this missense change does not adversely affect protein function. In summary, the available evidence is currently insufficient to determine the role of this variant in disease. Therefore, it has been classified as a Variant of Uncertain Significance.

NM_005419.4(STAT2):c.1727G>A (p.Arg576His)

Gene: STAT2 (signal transducer and activator of transcription 2; minus strand). Cytogenetic location: 12q13.3.
Variant type: single nucleotide variant.
Coding change: c.1727G>A on transcript NM_005419.4 (MANE Select); coding-DNA position 1727, G replaced by A.
Protein change: p.Arg576His; replaces arginine 576 with histidine.
Molecular consequence: missense variant.
Genome position (GRCh38, 1-based): chr12:56,346,953, C>T on the plus strand (G>A on the coding strand, the complement: STAT2 is on the minus strand). VCF-style: chr12-56346953-C-T. GRCh37 (hg19) VCF-style: chr12-56740737-C-T.
Other names: c.1694G>A, p.Arg565His (NM_001385110.1); c.1628G>A, p.Arg543His (NM_001385111.1); c.1727G>A, p.Arg576His (NM_001385113.1); c.1706G>A, p.Arg569His (NM_001385114.1); c.1685G>A, p.Arg562His (NM_001385115.1); c.1715G>A, p.Arg572His (NM_198332.2); short protein forms R543H, R562H, R565H, R569H, R572H, R576H.
Identifiers: ClinVar variation 3627518 (VCV003627518.2).
Genomic context (GRCh38, chr12:56,346,953, plus strand): 5'-CCAGACATGGTCTTCTTCAGCAGCCGGCGCTCCTGGCTCCGACTCACAAAGCCCATGATG[C>T]GTCTGGAGCACAGAGAGCAGCTGTGAGACACCGCCCAACACCCTGCCCCACCAGGCCCCT-3'
Protein context (NP_005410.1, residues 566-586): DHLKDLWNDG[Arg576His]IMGFVSRSQE